The following is an entry in ClinVar:

ClinVar aggregate classification (germline): Pathogenic/Likely pathogenic. Review status: criteria provided, multiple submitters, no conflicts (2 of 4 stars). 4 submissions from 4 submitters: Pathogenic (1); Likely pathogenic (2). 1 of the submissions does not count toward it. Last evaluated 2025-09-16.

Conditions:
Medium-chain acyl-coenzyme A dehydrogenase deficiency (ACADMD). Also called: MCAD Deficiency; ACADM DEFICIENCY; MCADD; Medium chain acyl-CoA dehydrogenase deficiency; CARNITINE DEFICIENCY SECONDARY TO MEDIUM-CHAIN ACYL-CoA DEHYDROGENASE DEFICIENCY; MCADH DEFICIENCY. Identifiers: Orphanet 42, MedGen C0220710, MONDO:0008721, OMIM 201450.

Allele frequency attached by ClinVar (database versions not stated): gnomAD exomes 0.00001; TOPMed 0.00001; ExAC 0.00001.

Submissions (4):

Natera, Inc.
Classification: Likely pathogenic for Medium Chain Acyl-CoA Dehydrogenase Deficiency. Last evaluated: 2025-09-16. Review status: criteria provided, single submitter. Criteria: Natera Variant Classification Schema (03/2026). Collection method: clinical testing. Allele origin: germline.
Comment: The c.447G>T variant in ACADM is a missense variant predicted to cause substitution of methionine to isoleucine at amino acid 149. This variant is rare in the general population with a frequency below the threshold expected for the associated phenotype(s). This variant has been observed in one or more individuals affected with the associated recessive disease, as either homozygous or compound heterozygous with a second variant (PMID: 33580884). Another variant at this same site results in an alteration predicted to cause a similar molecular effect has been observed in individual(s) with the associated phenotype. Given the available evidence, this variant is classified as Likely Pathogenic.

Labcorp Genetics (formerly Invitae), Labcorp
Classification: Pathogenic for Medium-chain acyl-coenzyme A dehydrogenase deficiency. Last evaluated: 2024-02-20. Review status: criteria provided, single submitter. Criteria: Invitae Variant Classification Sherloc (09022015). Collection method: clinical testing. Allele origin: germline.
Comment: This sequence change replaces methionine, which is neutral and non-polar, with isoleucine, which is neutral and non-polar, at codon 149 of the ACADM protein (p.Met149Ile). This variant is present in population databases (rs121434277, gnomAD 0.003%). This missense change has been observed in individuals with MCAD deficiency (PMID: 1684086, 9158144; Invitae). ClinVar contains an entry for this variant (Variation ID: 226059). Advanced modeling of protein sequence and biophysical properties (such as structural, functional, and spatial information, amino acid conservation, physicochemical variation, residue mobility, and thermodynamic stability) performed at Invitae indicates that this missense variant is not expected to disrupt ACADM protein function with a negative predictive value of 80%. This variant disrupts the p.Met149 amino acid residue in ACADM. Other variant(s) that disrupt this residue have been determined to be pathogenic (PMID: 1684086, 9158144; Invitae). This suggests that this residue is clinically significant, and that variants that disrupt this residue are likely to be disease-causing. For these reasons, this variant has been classified as Pathogenic.

ARUP Laboratories, Molecular Genetics and Genomics, ARUP Laboratories
Classification: Likely pathogenic for Medium-chain acyl-coenzyme A dehydrogenase deficiency. Last evaluated: 2019-07-22. Review status: criteria provided, single submitter. Criteria: ARUP Molecular Germline Variant Investigation Process. Collection method: clinical testing. Allele origin: germline.

Counsyl
Classification: Uncertain significance for Medium-chain acyl-coenzyme A dehydrogenase deficiency. Last evaluated: 2017-11-03. Review status: no assertion criteria provided. Collection method: clinical testing. Allele origin: unknown. Not counted in ClinVar's aggregate classification.

Literature cited by the submitters: PubMed 33580884 (cited by Natera, Inc.); PubMed 1684086 (cited by Labcorp Genetics (formerly Invitae), Labcorp); PubMed 9158144 (cited by Labcorp Genetics (formerly Invitae), Labcorp).

NM_000016.6(ACADM):c.447G>T (p.Met149Ile)

Gene: ACADM (acyl-CoA dehydrogenase medium chain; plus strand). Cytogenetic location: 1p31.1.
Variant type: single nucleotide variant.
Coding change: c.447G>T on transcript NM_000016.6 (MANE Select); coding-DNA position 447, G replaced by T.
Protein change: p.Met149Ile; replaces methionine 149 with isoleucine.
Molecular consequence: missense variant. On other transcripts: intron variant (1).
Genome position (GRCh38, 1-based): chr1:75,734,850, G>T. VCF-style: chr1-75734850-G-T. GRCh37 (hg19) VCF-style: chr1-76200535-G-T.
Other names: c.459G>T, p.Met153Ile (NM_001127328.3); c.339G>T, p.Met113Ile (NM_001286042.2); c.546G>T, p.Met182Ile (NM_001286043.2); c.-100+1928G>T (NM_001286044.2); short protein forms M149I, M153I, M113I, M182I.
Identifiers: ClinVar variation 226059 (VCV000226059.21), dbSNP rs121434277, ClinGen allele CA913107.